The following is an entry in ClinVar:

NM_206933.4(USH2A):c.14893_14900del (p.Val4965fs)

Gene: USH2A (usherin; minus strand). Cytogenetic location: 1q41.
Variant type: Deletion.
Coding change: c.14893_14900del on transcript NM_206933.4 (MANE Select); coding-DNA positions 14893 to 14900, 8 bases deleted (GTGTTAAC; older notation c.14893_14900delGTGTTAAC).
Protein change: p.Val4965fs; shifts the reading frame from valine 4965.
Molecular consequence: frameshift variant.
Genome position (GRCh38, 1-based): chr1:215,640,626-215,640,633, GTTAACAC deleted on the plus strand (GTGTTAAC on the coding strand, the reverse complement: USH2A is on the minus strand); deleting any 8 consecutive bases within chr1:215,640,626-215,640,635 gives the same sequence; the c. name uses the placement nearest the transcript's 3' end. VCF-style (leftmost placement, unchanged base first): chr1-215640625-GGTTAACAC-G. GRCh37 (hg19) VCF-style: chr1-215813967-GGTTAACAC-G.
Other names: short protein forms V4965fs.
Identifiers: ClinVar variation 2679540 (VCV002679540.3), dbSNP rs1558033881, ClinGen allele CA529002047.

ClinVar aggregate classification (germline): Pathogenic/Likely pathogenic. Review status: criteria provided, multiple submitters, no conflicts (2 of 4 stars). 2 submissions from 2 submitters: Pathogenic (1); Likely pathogenic (1). Last evaluated 2024-09-26.

Conditions:
Retinitis pigmentosa 39 (RP39). Identifiers: Orphanet 791, MedGen C3151138, MONDO:0013436, OMIM 613809.

Submissions (2):

Labcorp Genetics (formerly Invitae), Labcorp
Classification: Pathogenic. Last evaluated: 2024-09-26. Review status: criteria provided, single submitter. Criteria: Invitae Variant Classification Sherloc (09022015). Collection method: clinical testing. Allele origin: germline.
Comment: This sequence change creates a premature translational stop signal (p.Val4965Argfs*33) in the USH2A gene. It is expected to result in an absent or disrupted protein product. Loss-of-function variants in USH2A are known to be pathogenic (PMID: 10729113, 10909849, 20507924, 25649381). This variant is present in population databases (no rsID available, gnomAD 0.0009%). This variant has not been reported in the literature in individuals affected with USH2A-related conditions. For these reasons, this variant has been classified as Pathogenic.

Baylor Genetics
Classification: Likely pathogenic for Retinitis pigmentosa 39. Last evaluated: 2023-01-25. Review status: criteria provided, single submitter. Criteria: ACMG Guidelines, 2015. Collection method: clinical testing. Allele origin: unknown.

Literature cited by the submitters: PubMed 10729113 (cited by Labcorp Genetics (formerly Invitae), Labcorp); PubMed 10909849 (cited by Labcorp Genetics (formerly Invitae), Labcorp); PubMed 20507924 (cited by Labcorp Genetics (formerly Invitae), Labcorp); PubMed 25649381 (cited by Labcorp Genetics (formerly Invitae), Labcorp).